The following is an entry in ClinVar:

NM_031220.4(PITPNM3):c.430G>A (p.Ala144Thr)

Gene: PITPNM3 (PITPNM family member 3; minus strand). Cytogenetic location: 17p13.2.
Variant type: single nucleotide variant.
Coding change: c.430G>A on transcript NM_031220.4 (MANE Select); coding-DNA position 430, G replaced by A.
Protein change: p.Ala144Thr; replaces alanine 144 with threonine.
Molecular consequence: missense variant.
Genome position (GRCh38, 1-based): chr17:6,483,674, C>T on the plus strand (G>A on the coding strand, the complement: PITPNM3 is on the minus strand). VCF-style: chr17-6483674-C-T. GRCh37 (hg19) VCF-style: chr17-6386994-C-T.
Other names: c.322G>A, p.Ala108Thr (NM_001165966.2); short protein forms A108T, A144T.
Identifiers: ClinVar variation 1499685 (VCV001499685.8), dbSNP rs1187752119, ClinGen allele CA397411024.
Genomic context (GRCh38, chr17:6,483,674, plus strand): 5'-CCTTCTCCAGCACGGAGCTGAAGGTGTGGATGTCGGCTGCCTTGCAGGACGGGTCCCCGG[C>T]ACCCGTGTCCAGGATGTTTCCCCCATGCAGGACCAGCAGGAGGACATGTGTCTTGCAGGA-3'
Protein context (NP_112497.2, residues 134-154): LHGGNILDTG[Ala144Thr]GDPSCKAADI

ClinVar aggregate classification (germline): Uncertain significance (1 of 4 stars; one submission).

Allele frequency attached by ClinVar (database versions not stated): gnomAD exomes below 0.00001.

Submission:

Labcorp Genetics (formerly Invitae), Labcorp
Classification: Uncertain significance. Last evaluated: 2023-09-19. Review status: criteria provided, single submitter. Criteria: Invitae Variant Classification Sherloc (09022015). Collection method: clinical testing. Allele origin: germline.
Comment: This sequence change replaces alanine, which is neutral and non-polar, with threonine, which is neutral and polar, at codon 144 of the PITPNM3 protein (p.Ala144Thr). This variant is present in population databases (no rsID available, gnomAD 0.0009%). This variant has not been reported in the literature in individuals affected with PITPNM3-related conditions. ClinVar contains an entry for this variant (Variation ID: 1499685). Advanced modeling of protein sequence and biophysical properties (such as structural, functional, and spatial information, amino acid conservation, physicochemical variation, residue mobility, and thermodynamic stability) performed at Invitae indicates that this missense variant is not expected to disrupt PITPNM3 protein function. In summary, the available evidence is currently insufficient to determine the role of this variant in disease. Therefore, it has been classified as a Variant of Uncertain Significance.